The following is an entry in ClinVar:

NM_001614.5(ACTG1):c.168C>T (p.Asp56=)

Gene: ACTG1 (actin gamma 1; minus strand). Cytogenetic location: 17q25.3.
Variant type: single nucleotide variant.
Coding change: c.168C>T on transcript NM_001614.5 (MANE Select); coding-DNA position 168, C replaced by T.
Protein change: p.Asp56=; no amino-acid change (aspartic acid 56 retained).
Molecular consequence: synonymous variant. On other transcripts: non-coding transcript variant (1).
Genome position (GRCh38, 1-based): chr17:81,512,098, G>A on the plus strand (C>T on the coding strand, the complement: ACTG1 is on the minus strand). VCF-style: chr17-81512098-G-A. GRCh37 (hg19) VCF-style: chr17-79479124-G-A.
Other names: c.168C>T, p.Asp56= (NM_001199954.3).
Identifiers: ClinVar variation 505903 (VCV000505903.16), dbSNP rs368299537, ClinGen allele CA8836333.

ClinVar aggregate classification (germline): Likely benign. Review status: criteria provided, multiple submitters, no conflicts (2 of 4 stars). 5 submissions from 5 submitters: Likely benign (4). 1 of the submissions does not count toward it. Last evaluated 2025-03-31.

Conditions:
Autosomal dominant nonsyndromic hearing loss 20. Identifiers: Orphanet 90635, MedGen C1858172, MONDO:0011480, OMIM 604717.
Baraitser-winter syndrome 2. Identifiers: Orphanet 2995, MedGen C3281235, MONDO:0013812, OMIM 614583.
ACTG1-related disorder. Also called: ACTG1-related condition; ACTG1-related disorders.

Allele frequency attached by ClinVar (database versions not stated): ExAC 0.00003; gnomAD exomes 0.00004; gnomAD 0.00007 and 0.00008; TOPMed 0.00008.

Submissions (5):

Labcorp Genetics (formerly Invitae), Labcorp
Classification: Likely benign for Baraitser-winter syndrome 2; Autosomal dominant nonsyndromic hearing loss 20. Last evaluated: 2025-03-31. Review status: criteria provided, single submitter. Criteria: Invitae Variant Classification Sherloc (09022015). Collection method: clinical testing. Allele origin: germline.

Blueprint Genetics
Classification: Likely benign. Last evaluated: 2024-07-19. Review status: criteria provided, single submitter. Criteria: ACMG Guidelines, 2015. Collection method: clinical testing. Allele origin: germline.

GeneDx
Classification: Likely benign. Last evaluated: 2019-10-08. Review status: criteria provided, single submitter. Criteria: GeneDx Variant Classification Process June 2021. Collection method: clinical testing. Allele origin: germline. Affected: yes.

Laboratory for Molecular Medicine, Mass General Brigham Personalized Medicine
Classification: Likely benign. Last evaluated: 2017-07-11. Review status: criteria provided, single submitter. Criteria: LMM Criteria. Collection method: clinical testing. Allele origin: germline. Observed: 1 variant allele.
Comment: p.Asp56Asp in exon 3 of ACTG1: This variant is not expected to have clinical sig nificance because it does not alter an amino acid residue and is not located wit hin the splice consensus sequence. It has been identified in 17/276748 chromosom es by the Genome Aggregation Consortium (gnomAD, g; dbSNP rs368299537).

PreventionGenetics, part of Exact Sciences
Classification: Likely benign for ACTG1-related condition. Last evaluated: 2019-09-05. Review status: no assertion criteria provided. Collection method: clinical testing. Allele origin: germline. Not counted in ClinVar's aggregate classification.
Comment: This variant is classified as likely benign based on ACMG/AMP sequence variant interpretation guidelines (Richards et al. 2015 PMID: 25741868, with internal and published modifications).